The following is an entry in ClinVar:

ClinVar aggregate classification (germline): Pathogenic (1 of 4 stars; one submission).

Conditions:
X-linked lymphoproliferative disease due to XIAP deficiency. Also called: XIAP-Related Lymphoproliferative Disease, X-Linked; XIAP DEFICIENCY. Identifiers: Orphanet 2442, Orphanet 538934, MedGen C1845076, MONDO:0010385, OMIM 300635.

Submission:

Labcorp Genetics (formerly Invitae), Labcorp
Classification: Pathogenic for X-linked lymphoproliferative disease due to XIAP deficiency. Last evaluated: 2025-09-07. Review status: criteria provided, single submitter. Criteria: Invitae Variant Classification Sherloc (09022015). Collection method: clinical testing. Allele origin: germline.
Comment: This sequence change creates a premature translational stop signal (p.Leu348Phefs*3) in the XIAP gene. It is expected to result in an absent or disrupted protein product. Loss-of-function variants in XIAP are known to be pathogenic (PMID: 17080092, 21119115, 25666262). This variant is not present in population databases (gnomAD no frequency). This variant has not been reported in the literature in individuals affected with XIAP-related conditions. For these reasons, this variant has been classified as Pathogenic.

Literature cited by the submitters: PubMed 17080092; PubMed 21119115; PubMed 25666262.

NM_001167.4(XIAP):c.1038_1041dup (p.Leu348fs)

Gene: XIAP (X-linked inhibitor of apoptosis; plus strand). Cytogenetic location: Xq25.
Variant type: Duplication.
Coding change: c.1038_1041dup on transcript NM_001167.4 (MANE Select); coding-DNA positions 1038 to 1041, 4 bases duplicated (TTCA; older notation c.1038_1041dupTTCA).
Protein change: p.Leu348fs; shifts the reading frame from leucine 348.
Molecular consequence: frameshift variant. On other transcripts: non-coding transcript variant (2).
Genome position (GRCh38, 1-based): chrX:123,891,298-123,891,301, TTCA duplicated; duplicating any 4 consecutive bases within chrX:123,891,295-123,891,301 gives the same sequence; the c. name uses the placement nearest the transcript's 3' end. VCF-style (leftmost placement, unchanged base first): chrX-123891294-C-CTCAT. GRCh37 (hg19) VCF-style: chrX-123025144-C-CTCAT.
Other names: c.1038_1041dup, p.Leu348fs (NM_001204401.2, NM_001378590.1, NM_001378591.1 and 1 more transcripts); short protein forms L348fs.
Identifiers: ClinVar variation 4722194 (VCV004722194.1).